The following is an entry in ClinVar:

NM_004415.4(DSP):c.3269G>C (p.Gly1090Ala)

Gene: DSP (desmoplakin; plus strand). Cytogenetic location: 6p24.3.
Variant type: single nucleotide variant.
Coding change: c.3269G>C on transcript NM_004415.4 (MANE Select); coding-DNA position 3269, G replaced by C.
Protein change: p.Gly1090Ala; replaces glycine 1090 with alanine.
Molecular consequence: missense variant.
Genome position (GRCh38, 1-based): chr6:7,579,459, G>C. VCF-style: chr6-7579459-G-C. GRCh37 (hg19) VCF-style: chr6-7579692-G-C.
Other names: c.3269G>C, p.Gly1090Ala (NM_001008844.3, NM_001319034.2); short protein forms G1090A.
Identifiers: ClinVar variation 4787258 (VCV004787258.1).
Genomic context (GRCh38, chr6:7,579,459, plus strand): 5'-CCCAGTTCAAAGCGAAGCTTGCGAGCCTGGAGGAGCTGAAGAGACAGGCTGAGCTGGATG[G>C]GAAGTCGGCTAAGCAAAATCTAGACAAGTGCTACGGCCAAATAAAAGAACTCAATGAGAA-3'
Protein context (NP_004406.2, residues 1080-1100): EELKRQAELD[Gly1090Ala]KSAKQNLDKC

ClinVar aggregate classification (germline): Uncertain significance (1 of 4 stars; one submission).

Conditions:
Arrhythmogenic right ventricular dysplasia 8 (ARVD8). Also called: Arrhythmogenic Right Ventricular Dysplasia/Cardiomyopathy 8; ARRHYTHMOGENIC RIGHT VENTRICULAR DYSPLASIA, FAMILIAL, 8; ARRHYTHMOGENIC RIGHT VENTRICULAR CARDIOMYOPATHY 8. Identifiers: MedGen C1843896, MONDO:0011831, OMIM 607450.
Arrhythmogenic cardiomyopathy with wooly hair and keratoderma. Also called: Arrhythmogenic cardiomyopathy with woolly hair and keratoderma; PALMOPLANTAR KERATODERMA WITH LEFT VENTRICULAR CARDIOMYOPATHY AND WOOLLY HAIR; Carvajal syndrome; Dilated cardiomyopathy with woolly hair and keratoderma. Identifiers: Orphanet 65282, MedGen C1854063, MONDO:0011581, OMIM 605676.

Submission:

Labcorp Genetics (formerly Invitae), Labcorp
Classification: Uncertain significance for Arrhythmogenic cardiomyopathy with wooly hair and keratoderma; Arrhythmogenic right ventricular dysplasia 8. Last evaluated: 2026-01-13. Review status: criteria provided, single submitter. Criteria: Invitae Variant Classification Sherloc (09022015). Collection method: clinical testing. Allele origin: germline.
Comment: This sequence change replaces glycine, which is neutral and non-polar, with alanine, which is neutral and non-polar, at codon 1090 of the DSP protein (p.Gly1090Ala). This variant is not present in population databases (gnomAD no frequency). This variant has not been reported in the literature in individuals affected with DSP-related conditions. An algorithm developed to predict the effect of missense changes on protein structure and function (PolyPhen-2) suggests that this variant is likely to be disruptive. In summary, the available evidence is currently insufficient to determine the role of this variant in disease. Therefore, it has been classified as a Variant of Uncertain Significance.